The following is an entry in ClinVar:

ClinVar aggregate classification (germline): Pathogenic/Likely pathogenic. Review status: criteria provided, multiple submitters, no conflicts (2 of 4 stars). 4 submissions from 4 submitters: Pathogenic (2); Likely pathogenic (2). Last evaluated 2026-04-14.

Conditions:
Progressive familial intrahepatic cholestasis (PFIC). Also called: Progressive family intrahepatic cholestasis; Progressive intrahepatic cholestasis. Identifiers: Orphanet 172, MedGen C0268312, MONDO:0015762.
Benign recurrent intrahepatic cholestasis type 1. Also called: SUMMERSKILL SYNDROME; Mild-to-Moderate ATP8B1 Deficiency (Benign Recurrent Intrahepatic Cholestasis 1 [BRIC1]). Identifiers: Orphanet 65682, Orphanet 99960, MedGen C4551899, MONDO:0009469, OMIM 243300.
Familial intrahepatic cholestasis. Identifiers: Orphanet 284385, MedGen CN296401, MONDO:0017290.

Allele frequency attached by ClinVar (database versions not stated): gnomAD exomes below 0.00001; TOPMed below 0.00001; ExAC 0.00001; gnomAD 0.00001.
gnomAD v4.1: 5 of 1,613,928 alleles (0.00031%); highest among the groups gnomAD compares: African/African-American, 0.0027%; no homozygotes.

Submissions (4):

Genomenon, Inc
Classification: Pathogenic for Familial intrahepatic cholestasis. Last evaluated: 2026-04-14. Review status: criteria provided, single submitter. Criteria: Genomenon Sequence Variant Interpretation Standards - Updated. Collection method: curation. Allele origin: germline. Affected: yes.
Comment: ATP8B1 c.2418+5G>A is an intronic variant located in the splice donor region of intron 21. This variant has been observed in at least one proband with features of ATP8B1-deficiency (PMID:15239083). At least one splicing study demonstrated this variant results in aberrant splicing (PMID:25421123). It is absent or not present at a significant frequency in gnomAD. In conclusion, we classify ATP8B1 c.2418+5G>A as a pathogenic variant.

Mayo Clinic Laboratories, Mayo Clinic
Classification: Likely pathogenic. Last evaluated: 2025-05-28. Review status: criteria provided, single submitter. Criteria: ACMG Guidelines, 2015. Collection method: clinical testing. Allele origin: germline. Observed: 1 variant allele.
Comment: PM2_supporting, PM3, PVS1_strong

Women's Health and Genetics/Laboratory Corporation of America, LabCorp
Classification: Pathogenic for Progressive familial intrahepatic cholestasis. Last evaluated: 2025-05-22. Review status: criteria provided, single submitter. Criteria: LabCorp Variant Classification Summary - May 2015. Collection method: clinical testing. Allele origin: germline.
Comment: Variant summary: ATP8B1 c.2418+5G>A alters a nucleotide located close to a canonical splice site and therefore could affect mRNA splicing, leading to a significantly altered protein sequence. Several computational tools predict a significant impact on normal splicing: Four predict the variant abolishes a 5' splicing donor site. At least one publication reports experimental evidence that this variant affects mRNA splicing (van der Woerd_2015). The variant allele was found at a frequency of 8e-06 in 251190 control chromosomes (gnomAD). c.2418+5G>A has been observed in multiple individuals affected with Familial Intrahepatic Cholestasis (Klomp_2004, van der Woerd_2015, van Wessel_2021). These data indicate that the variant is very likely to be associated with disease. The following publications have been ascertained in the context of this evaluation (PMID: 15239083, 33666275, 25421123). ClinVar contains an entry for this variant (Variation ID: 2679858). Based on the evidence outlined above, the variant was classified as pathogenic.

Baylor Genetics
Classification: Likely pathogenic for Benign recurrent intrahepatic cholestasis type 1. Last evaluated: 2024-02-17. Review status: criteria provided, single submitter. Criteria: ACMG Guidelines, 2015. Collection method: clinical testing. Allele origin: unknown.

Literature cited by the submitters: PubMed 15239083 (cited by 3 submitters); PubMed 25421123 (cited by 3 submitters); PubMed 33666275 (cited by Mayo Clinic Laboratories, Mayo Clinic and Women's Health and Genetics/Laboratory Corporation of America, LabCorp).

NM_001374385.1(ATP8B1):c.2418+5G>A

Genes: ATP8B1 (ATPase phospholipid transporting 8B1; minus strand), ATP8B1-AS1 (ATP8B1 antisense RNA 1; plus strand). Cytogenetic location: 18q21.31.
Variant type: single nucleotide variant.
Coding change: c.2418+5G>A on transcript NM_001374385.1 (MANE Select); 5 bases into the intron after coding-DNA position 2418, G replaced by A.
Molecular consequence: intron variant.
Genome position (GRCh38, 1-based): chr18:57,662,478, C>T on the plus strand (G>A on the coding strand, the complement: ATP8B1 is on the minus strand). VCF-style: chr18-57662478-C-T. GRCh37 (hg19) VCF-style: chr18-55329710-C-T.
Other names: c.2418+5G>A (NM_005603.6); c.2268+5G>A (NM_001374386.1).
Identifiers: ClinVar variation 2679858 (VCV002679858.5), dbSNP rs757976892, ClinGen allele CA8974266.